The following is an entry in ClinVar:

NM_019098.5(CNGB3):c.787_788del (p.Ile263fs)

Gene: CNGB3 (cyclic nucleotide gated channel subunit beta 3; minus strand). Cytogenetic location: 8q21.3.
Variant type: Deletion.
Coding change: c.787_788del on transcript NM_019098.5 (MANE Select); coding-DNA positions 787 to 788, 2 bases deleted (AT; older notation c.787_788delAT).
Protein change: p.Ile263fs; shifts the reading frame from isoleucine 263.
Molecular consequence: frameshift variant.
Genome position (GRCh38, 1-based): chr8:86,666,989-86,666,990, AT deleted on the plus strand (AT on the coding strand, the reverse complement: CNGB3 is on the minus strand). VCF-style (leftmost placement, unchanged base first): chr8-86666988-GAT-G. GRCh37 (hg19) VCF-style: chr8-87679216-GAT-G.
Other names: short protein forms I263fs.
Identifiers: ClinVar variation 2100389 (VCV002100389.4), dbSNP rs2538124540, ClinGen allele CA2580078969.

ClinVar aggregate classification (germline): Pathogenic (1 of 4 stars; one submission).

Submission:

Labcorp Genetics (formerly Invitae), Labcorp
Classification: Pathogenic. Last evaluated: 2022-09-26. Review status: criteria provided, single submitter. Criteria: Invitae Variant Classification Sherloc (09022015). Collection method: clinical testing. Allele origin: germline.
Comment: This variant is not present in population databases (gnomAD no frequency). This sequence change creates a premature translational stop signal (p.Ile263Leufs*4) in the CNGB3 gene. It is expected to result in an absent or disrupted protein product. Loss-of-function variants in CNGB3 are known to be pathogenic (PMID: 28795510). This variant has not been reported in the literature in individuals affected with CNGB3-related conditions. Algorithms developed to predict the effect of sequence changes on RNA splicing suggest that this variant may disrupt the consensus splice site. For these reasons, this variant has been classified as Pathogenic.

Literature cited by the submitters: PubMed 28795510.